The following is an entry in ClinVar:

NM_001371928.1(AHDC1):c.4493C>T (p.Ala1498Val)

Gene: AHDC1 (AT-hook DNA binding motif containing 1; minus strand). Cytogenetic location: 1p36.11.
Variant type: single nucleotide variant.
Coding change: c.4493C>T on transcript NM_001371928.1 (MANE Select); coding-DNA position 4493, C replaced by T.
Protein change: p.Ala1498Val; replaces alanine 1498 with valine.
Molecular consequence: missense variant.
Genome position (GRCh38, 1-based): chr1:27,547,623, G>A on the plus strand (C>T on the coding strand, the complement: AHDC1 is on the minus strand). VCF-style: chr1-27547623-G-A. GRCh37 (hg19) VCF-style: chr1-27874134-G-A.
Other names: c.4493C>T (NM_001029882.2); c.4493C>T, p.Ala1498Val (NM_001029882.3); short protein forms A1498V.
Identifiers: ClinVar variation 1419914 (VCV001419914.10), dbSNP rs762961815, ClinGen allele CA715351.
Genomic context (GRCh38, chr1:27,547,623, plus strand): 5'-GGCTCCTTGTCGGCCTTGGGCGTGGCTGGTGGGCTAGCCAGGTGAGGGGCACTGAGGCAC[G>A]CGGCCTCCGTCCTGCCCAGGAAGTCAGCCAGCAGCCCTGTACCCACCTTGCCTTCATAGG-3'
Protein context (NP_001358857.1, residues 1488-1508): LADFLGRTEA[Ala1498Val]CLSAPHLASP

ClinVar aggregate classification (germline): Uncertain significance. Review status: criteria provided, multiple submitters, no conflicts (2 of 4 stars). 3 submissions from 3 submitters: Uncertain significance (3). Last evaluated 2025-05-22.

Conditions:
Inborn genetic diseases. Identifiers: MedGen C0950123, MeSH D030342.

Allele frequency attached by ClinVar (database versions not stated): gnomAD exomes 0.00001; ExAC 0.00003; gnomAD 0.00005; TOPMed 0.00005.
gnomAD v4.1: 20 of 1,600,494 alleles (0.0012%); highest among the groups gnomAD compares: Admixed American, 0.0069%; no homozygotes.

Submissions (3):

Labcorp Genetics (formerly Invitae), Labcorp
Classification: Uncertain significance. Last evaluated: 2025-05-22. Review status: criteria provided, single submitter. Criteria: Invitae Variant Classification Sherloc (09022015). Collection method: clinical testing. Allele origin: germline.
Comment: This sequence change replaces alanine, which is neutral and non-polar, with valine, which is neutral and non-polar, at codon 1498 of the AHDC1 protein (p.Ala1498Val). This variant is present in population databases (rs762961815, gnomAD 0.01%). This variant has not been reported in the literature in individuals affected with AHDC1-related conditions. ClinVar contains an entry for this variant (Variation ID: 1419914). An algorithm developed to predict the effect of missense changes on protein structure and function outputs the following: PolyPhen-2: "Possibly Damaging". The valine amino acid residue is found in multiple mammalian species, which suggests that this missense change does not adversely affect protein function. In summary, the available evidence is currently insufficient to determine the role of this variant in disease. Therefore, it has been classified as a Variant of Uncertain Significance.

Women's Health and Genetics/Laboratory Corporation of America, LabCorp
Classification: Uncertain significance. Last evaluated: 2024-09-27. Review status: criteria provided, single submitter. Criteria: LabCorp Variant Classification Summary - May 2015. Collection method: clinical testing. Allele origin: germline.
Comment: Variant summary: AHDC1 c.4493C>T (p.Ala1498Val) results in a non-conservative amino acid change in the encoded protein sequence. Three of five in-silico tools predict a benign effect of the variant on protein function. The variant allele was found at a frequency of 1.4e-05 in 216890 control chromosomes. The available data on variant occurrences in the general population are insufficient to allow any conclusion about variant significance. To our knowledge, no occurrence of c.4493C>T in individuals affected with Xia-Gibbs Syndrome and no experimental evidence demonstrating its impact on protein function have been reported. ClinVar contains an entry for this variant (Variation ID: 1419914). Based on the evidence outlined above, the variant was classified as uncertain significance.

Ambry Genetics
Classification: Uncertain significance for Inborn genetic diseases. Last evaluated: 2021-09-16. Review status: criteria provided, single submitter. Criteria: Ambry Variant Classification Scheme 2023. Collection method: clinical testing. Allele origin: germline.